The following is an entry in ClinVar:

ClinVar aggregate classification (germline): Uncertain significance. Review status: criteria provided, multiple submitters, no conflicts (2 of 4 stars). 2 submissions from 2 submitters: Uncertain significance (2). Last evaluated 2023-05-22.

Conditions:
Chédiak-Higashi syndrome (CHS). Also called: Chediak-Higashi Syndrome. Identifiers: Orphanet 167, MedGen C0007965, MONDO:0008963, OMIM 214500.

Allele frequency attached by ClinVar (database versions not stated): gnomAD exomes below 0.00001; gnomAD 0.00001.
gnomAD v4.1: 4 of 1,606,206 alleles (0.00025%); highest among the groups gnomAD compares: East Asian, 0.0067%; no homozygotes.

Submissions (2):

Blueprint Genetics
Classification: Uncertain significance. Last evaluated: 2023-05-22. Review status: criteria provided, single submitter. Criteria: ACMG Guidelines, 2015. Collection method: clinical testing. Allele origin: germline.

Labcorp Genetics (formerly Invitae), Labcorp
Classification: Uncertain significance for Chédiak-Higashi syndrome. Last evaluated: 2022-08-16. Review status: criteria provided, single submitter. Criteria: Invitae Variant Classification Sherloc (09022015). Collection method: clinical testing. Allele origin: germline.
Comment: In summary, the available evidence is currently insufficient to determine the role of this variant in disease. Therefore, it has been classified as a Variant of Uncertain Significance. Algorithms developed to predict the effect of missense changes on protein structure and function output the following: SIFT: "Tolerated"; PolyPhen-2: "Benign"; Align-GVGD: "Class C0". The lysine amino acid residue is found in multiple mammalian species, which suggests that this missense change does not adversely affect protein function. This variant has not been reported in the literature in individuals affected with LYST-related conditions. This variant is not present in population databases (gnomAD no frequency). This sequence change replaces glutamic acid, which is acidic and polar, with lysine, which is basic and polar, at codon 1897 of the LYST protein (p.Glu1897Lys).

NM_000081.4(LYST):c.5689G>A (p.Glu1897Lys)

Gene: LYST (lysosomal trafficking regulator; minus strand). Cytogenetic location: 1q42.3.
Variant type: single nucleotide variant.
Coding change: c.5689G>A on transcript NM_000081.4 (MANE Select); coding-DNA position 5689, G replaced by A.
Protein change: p.Glu1897Lys; replaces glutamic acid 1897 with lysine.
Molecular consequence: missense variant.
Genome position (GRCh38, 1-based): chr1:235,773,937, C>T on the plus strand (G>A on the coding strand, the complement: LYST is on the minus strand). VCF-style: chr1-235773937-C-T. GRCh37 (hg19) VCF-style: chr1-235937237-C-T.
Other names: c.5689G>A, p.Glu1897Lys (NM_001301365.1); short protein forms E1897K.
Identifiers: ClinVar variation 1973749 (VCV001973749.5), dbSNP rs1572214845, ClinGen allele CA344950534.